The following is an entry in ClinVar:

NM_017534.6(MYH2):c.3695T>C (p.Met1232Thr)

Genes: MYHAS (myosin heavy chain gene cluster antisense RNA; plus strand), MYH2 (myosin heavy chain 2; minus strand). Cytogenetic location: 17p13.1.
Variant type: single nucleotide variant.
Coding change: c.3695T>C on transcript NM_017534.6 (MANE Select); coding-DNA position 3695, T replaced by C.
Protein change: p.Met1232Thr; replaces methionine 1232 with threonine.
Molecular consequence: missense variant.
Genome position (GRCh38, 1-based): chr17:10,528,739, A>G on the plus strand (T>C on the coding strand, the complement: MYH2 is on the minus strand). VCF-style: chr17-10528739-A-G. GRCh37 (hg19) VCF-style: chr17-10432056-A-G.
Other names: c.3695T>C, p.Met1232Thr (NM_001100112.2); c.3695T>C (NM_017534.5); short protein forms M1232T.
Identifiers: ClinVar variation 2914243 (VCV002914243.4), dbSNP rs903575959, ClinGen allele CA287738572.
Genomic context (GRCh38, chr17:10,528,739, plus strand): 5'-ATTTGTAGTACCTTGGCTTTGGAGACCGTTTCTACATTACTAGCAAGGTCATCAATCTCC[A>G]TCTTCATCTCACTCTTCTCCTTCTCCAGCTTCTGCTTCACTCGCTGCAGGTTGTCAATCT-3'
Protein context (NP_060004.3, residues 1222-1242): KLEKEKSEMK[Met1232Thr]EIDDLASNVE

ClinVar aggregate classification (germline): Uncertain significance. Review status: criteria provided, multiple submitters, no conflicts (2 of 4 stars). 2 submissions from 2 submitters: Uncertain significance (2). Last evaluated 2024-03-07.

Conditions:
Myopathy, proximal, and ophthalmoplegia (CMYO6). Also called: MYOPATHY WITH CONGENITAL JOINT CONTRACTURES, OPHTHALMOPLEGIA, AND RIMMED VACUOLES; INCLUSION BODY MYOPATHY 3, AUTOSOMAL DOMINANT; CONGENITAL MYOPATHY 6 WITH OPHTHALMOPLEGIA. Identifiers: Orphanet 363677, Orphanet 79091, MedGen C1854106, MONDO:0011577, OMIM 605637.

Allele frequency attached by ClinVar (database versions not stated): gnomAD exomes below 0.00001.

Submissions (2):

GeneDx
Classification: Uncertain significance. Last evaluated: 2024-03-07. Review status: criteria provided, single submitter. Criteria: GeneDx Variant Classification Process June 2021. Collection method: clinical testing. Allele origin: germline. Affected: yes.
Comment: Not observed at significant frequency in large population cohorts (gnomAD); In silico analysis supports that this missense variant has a deleterious effect on protein structure/function; Has not been previously published as pathogenic or benign to our knowledge

Labcorp Genetics (formerly Invitae), Labcorp
Classification: Uncertain significance for Myopathy, proximal, and ophthalmoplegia. Last evaluated: 2023-12-22. Review status: criteria provided, single submitter. Criteria: Invitae Variant Classification Sherloc (09022015). Collection method: clinical testing. Allele origin: germline.
Comment: This sequence change replaces methionine, which is neutral and non-polar, with threonine, which is neutral and polar, at codon 1232 of the MYH2 protein (p.Met1232Thr). This variant is not present in population databases (gnomAD no frequency). This variant has not been reported in the literature in individuals affected with MYH2-related conditions. Advanced modeling of protein sequence and biophysical properties (such as structural, functional, and spatial information, amino acid conservation, physicochemical variation, residue mobility, and thermodynamic stability) performed at Invitae indicates that this missense variant is not expected to disrupt MYH2 protein function with a negative predictive value of 80%. In summary, the available evidence is currently insufficient to determine the role of this variant in disease. Therefore, it has been classified as a Variant of Uncertain Significance.